The following is an entry in ClinVar:

NM_006059.4(LAMC3):c.4048C>T (p.Pro1350Ser)

Gene: LAMC3 (laminin subunit gamma 3; plus strand). Cytogenetic location: 9q34.12.
Variant type: single nucleotide variant.
Coding change: c.4048C>T on transcript NM_006059.4 (MANE Select); coding-DNA position 4048, C replaced by T.
Protein change: p.Pro1350Ser; replaces proline 1350 with serine.
Molecular consequence: missense variant.
Genome position (GRCh38, 1-based): chr9:131,085,541, C>T. VCF-style: chr9-131085541-C-T. GRCh37 (hg19) VCF-style: chr9-133960928-C-T.
Other names: short protein forms P1350S.
Identifiers: ClinVar variation 1305843 (VCV001305843.3), dbSNP rs1176016078, ClinGen allele CA375264227.
Genomic context (GRCh38, chr9:131,085,541, plus strand): 5'-TGTGAGCCCAGTTCCCCTGACCCAGCCTCAGCCGGGTTTGCAGGAATGAAGCTGCAGTTT[C>T]CCCGGCCCAAGGACCAGGCGGCATTGCAGAGGAAGGCAGACTCCGTCAGTGACAGACTCC-3'
Protein context (NP_006050.3, residues 1340-1360): ADLEGMKLQF[Pro1350Ser]RPKDQAALQR

ClinVar aggregate classification (germline): Uncertain significance. Review status: criteria provided, multiple submitters, no conflicts (2 of 4 stars). 2 submissions from 2 submitters: Uncertain significance (2). Last evaluated 2022-02-17.

Allele frequency attached by ClinVar (database versions not stated): gnomAD exomes below 0.00001; gnomAD 0.00002; TOPMed 0.00002.
gnomAD v4.1: 47 of 1,613,830 alleles (0.0029%); highest among the groups gnomAD compares: Middle Eastern, 0.016%; no homozygotes.

Submissions (2):

Labcorp Genetics (formerly Invitae), Labcorp
Classification: Uncertain significance. Last evaluated: 2022-02-17. Review status: criteria provided, single submitter. Criteria: Invitae Variant Classification Sherloc (09022015). Collection method: clinical testing. Allele origin: germline.
Comment: This sequence change replaces proline, which is neutral and non-polar, with serine, which is neutral and polar, at codon 1350 of the LAMC3 protein (p.Pro1350Ser). This variant is present in population databases (no rsID available, gnomAD 0.002%). This variant has not been reported in the literature in individuals affected with LAMC3-related conditions. ClinVar contains an entry for this variant (Variation ID: 1305843). Algorithms developed to predict the effect of missense changes on protein structure and function (SIFT, PolyPhen-2, Align-GVGD) all suggest that this variant is likely to be tolerated. In summary, the available evidence is currently insufficient to determine the role of this variant in disease. Therefore, it has been classified as a Variant of Uncertain Significance.

GeneDx
Classification: Uncertain significance. Last evaluated: 2020-04-20. Review status: criteria provided, single submitter. Criteria: GeneDx Variant Classification Process June 2021. Collection method: clinical testing. Allele origin: germline. Affected: yes.
Comment: Not observed at a significant frequency in large population cohorts (Lek et al., 2016); In silico analysis supports that this missense variant does not alter protein structure/function; Has not been previously published as pathogenic or benign to our knowledge